The following is an entry in ClinVar:

ClinVar aggregate classification (germline): Uncertain significance (1 of 4 stars; one submission).

Allele frequency attached by ClinVar (database versions not stated): gnomAD exomes 0.00001.
gnomAD v4.1: 3 of 1,613,032 alleles (0.00019%); highest among the groups gnomAD compares: Non-Finnish European, 0.000085%; no homozygotes.

Submission:

Labcorp Genetics (formerly Invitae), Labcorp
Classification: Uncertain significance. Last evaluated: 2024-12-28. Review status: criteria provided, single submitter. Criteria: Invitae Variant Classification Sherloc (09022015). Collection method: clinical testing. Allele origin: germline.
Comment: This sequence change replaces aspartic acid, which is acidic and polar, with histidine, which is basic and polar, at codon 729 of the CACNA2D4 protein (p.Asp729His). This variant is present in population databases (no rsID available, gnomAD 0.004%). This variant has not been reported in the literature in individuals affected with CACNA2D4-related conditions. ClinVar contains an entry for this variant (Variation ID: 1525823). An algorithm developed to predict the effect of missense changes on protein structure and function (PolyPhen-2) suggests that this variant is likely to be disruptive. In summary, the available evidence is currently insufficient to determine the role of this variant in disease. Therefore, it has been classified as a Variant of Uncertain Significance.

NM_172364.5(CACNA2D4):c.2185G>C (p.Asp729His)

Gene: CACNA2D4 (calcium voltage-gated channel auxiliary subunit alpha2delta 4; minus strand). Cytogenetic location: 12p13.33.
Variant type: single nucleotide variant.
Coding change: c.2185G>C on transcript NM_172364.5 (MANE Select); coding-DNA position 2185, G replaced by C.
Protein change: p.Asp729His; replaces aspartic acid 729 with histidine.
Molecular consequence: missense variant.
Genome position (GRCh38, 1-based): chr12:1,854,012, C>G on the plus strand (G>C on the coding strand, the complement: CACNA2D4 is on the minus strand). VCF-style: chr12-1854012-C-G. GRCh37 (hg19) VCF-style: chr12-1963178-C-G.
Other names: short protein forms D729H.
Identifiers: ClinVar variation 1525823 (VCV001525823.6), dbSNP rs779367411, ClinGen allele CA383361166.